The following is an entry in ClinVar:

ClinVar aggregate classification (germline): Uncertain significance (1 of 4 stars; one submission).

Allele frequency attached by ClinVar (database versions not stated): gnomAD exomes 0.00001; gnomAD 0.00002; TOPMed 0.00003.
gnomAD v4.1: 23 of 1,596,778 alleles (0.0014%); highest among the groups gnomAD compares: Middle Eastern, 0.017%; no homozygotes.

Submission:

Labcorp Genetics (formerly Invitae), Labcorp
Classification: Uncertain significance. Last evaluated: 2022-10-17. Review status: criteria provided, single submitter. Criteria: Invitae Variant Classification Sherloc (09022015). Collection method: clinical testing. Allele origin: germline.
Comment: This sequence change replaces lysine, which is basic and polar, with arginine, which is basic and polar, at codon 769 of the PNPLA8 protein (p.Lys769Arg). This variant is present in population databases (no rsID available, gnomAD 0.005%). This variant has not been reported in the literature in individuals affected with PNPLA8-related conditions. Algorithms developed to predict the effect of missense changes on protein structure and function are either unavailable or do not agree on the potential impact of this missense change (SIFT: "Deleterious"; PolyPhen-2: "Benign"; Align-GVGD: "Class C0"). In summary, the available evidence is currently insufficient to determine the role of this variant in disease. Therefore, it has been classified as a Variant of Uncertain Significance.

NM_001256007.3(PNPLA8):c.2306A>G (p.Lys769Arg)

Gene: PNPLA8 (patatin like domain 8, phospholipase A2; minus strand). Cytogenetic location: 7q31.1.
Variant type: single nucleotide variant.
Coding change: c.2306A>G on transcript NM_001256007.3 (MANE Select); coding-DNA position 2306, A replaced by G.
Protein change: p.Lys769Arg; replaces lysine 769 with arginine.
Molecular consequence: missense variant.
Genome position (GRCh38, 1-based): chr7:108,472,444, T>C on the plus strand (A>G on the coding strand, the complement: PNPLA8 is on the minus strand). VCF-style: chr7-108472444-T-C. GRCh37 (hg19) VCF-style: chr7-108112888-T-C.
Other names: c.2306A>G, p.Lys769Arg (NM_001256008.3, NM_015723.5); c.2120A>G, p.Lys707Arg (NM_001256009.3); c.2006A>G, p.Lys669Arg (NM_001256010.3, NM_001256011.3); short protein forms K669R, K707R, K769R.
Identifiers: ClinVar variation 2179604 (VCV002179604.1), dbSNP rs1431528673, ClinGen allele CA368890086.